The following is an entry in ClinVar:

ClinVar aggregate classification (germline): Uncertain significance. Review status: criteria provided, multiple submitters, no conflicts (2 of 4 stars). 5 submissions from 5 submitters: Uncertain significance (5). Last evaluated 2026-04-14.

Conditions:
MYO7A-related disorder. Also called: MYO7A-related disorders.
Autosomal recessive nonsyndromic hearing loss 2. Also called: NEUROSENSORY NONSYNDROMIC RECESSIVE DEAFNESS 2; DEAFNESS, AUTOSOMAL RECESSIVE 2. Identifiers: Orphanet 90636, MedGen C1838701, MONDO:0010807, OMIM 600060.
Autosomal dominant nonsyndromic hearing loss 11. Identifiers: Orphanet 90635, MedGen C1832475, MONDO:0011032, OMIM 601317.
Usher syndrome type 1 (USH1). Also called: RETINITIS PIGMENTOSA AND CONGENITAL DEAFNESS. Identifiers: Orphanet 231169, Orphanet 886, MedGen C1568247, MONDO:0010168, OMIM 276900.

Allele frequency attached by ClinVar (database versions not stated): gnomAD 0.00002 and 0.00003; TOPMed 0.00003; gnomAD exomes 0.00006; ExAC 0.00010.
gnomAD v4.1: 28 of 1,596,326 alleles (0.0018%); highest among the groups gnomAD compares: Admixed American, 0.012%; no homozygotes.

Submissions (5):

PreventionGenetics, part of Exact Sciences
Classification: Uncertain significance for MYO7A-related condition. Last evaluated: 2026-04-14. Review status: criteria provided, single submitter. Criteria: ACMG Guidelines, 2015. Collection method: clinical testing. Allele origin: germline.
Comment: The MYO7A c.5522C>T variant is predicted to result in the amino acid substitution p.Thr1841Met. This variant was reported along with two other MYO7A variants in an individual with hearing loss (Table 1, Adeyemo et al. 2022. PubMed ID: 34837038). This variant is reported in 0.015% of alleles in individuals of Latino descent in gnomAD. At this time, the clinical significance of this variant is uncertain due to the absence of conclusive functional and genetic evidence.

GeneDx
Classification: Uncertain significance. Last evaluated: 2025-07-23. Review status: criteria provided, single submitter. Criteria: GeneDx Variant Classification Process June 2021. Collection method: clinical testing. Allele origin: germline. Affected: yes.
Comment: In silico analysis supports that this missense variant has a deleterious effect on protein structure/function; This variant is associated with the following publications: (PMID: 34837038)

Labcorp Genetics (formerly Invitae), Labcorp
Classification: Uncertain significance. Last evaluated: 2024-04-25. Review status: criteria provided, single submitter. Criteria: Invitae Variant Classification Sherloc (09022015). Collection method: clinical testing. Allele origin: germline.
Comment: This sequence change replaces threonine, which is neutral and polar, with methionine, which is neutral and non-polar, at codon 1841 of the MYO7A protein (p.Thr1841Met). This variant is present in population databases (rs746667217, gnomAD 0.02%). This missense change has been observed in individual(s) with clinical features of MYO7A-related conditions (PMID: 34837038). ClinVar contains an entry for this variant (Variation ID: 1387794). Advanced modeling of protein sequence and biophysical properties (such as structural, functional, and spatial information, amino acid conservation, physicochemical variation, residue mobility, and thermodynamic stability) has been performed at Invitae for this missense variant, however the output from this modeling did not meet the statistical confidence thresholds required to predict the impact of this variant on MYO7A protein function. In summary, the available evidence is currently insufficient to determine the role of this variant in disease. Therefore, it has been classified as a Variant of Uncertain Significance.

Women's Health and Genetics/Laboratory Corporation of America, LabCorp
Classification: Uncertain significance. Last evaluated: 2023-04-27. Review status: criteria provided, single submitter. Criteria: LabCorp Variant Classification Summary - May 2015. Collection method: clinical testing. Allele origin: germline.
Comment: Variant summary: MYO7A c.5522C>T (p.Thr1841Met) results in a non-conservative amino acid change located in the MyTH4 domain (IPR000857) of the encoded protein sequence. Five of five in-silico tools predict a damaging effect of the variant on protein function. The variant allele was found at a frequency of 6.4e-05 in 220012 control chromosomes. This frequency is not significantly higher than estimated for a pathogenic variant in MYO7A causing Usher Syndrome (6.4e-05 vs 0.0061), allowing no conclusion about variant significance. c.5522C>T has been reported in the literature in an individual affected with bilateral hearing loss (Adeyemo_2022) without strong evidence for causality. This report does not provide unequivocal conclusions about association of the variant with Usher Syndrome. To our knowledge, no experimental evidence demonstrating an impact on protein function has been reported. The following publications have been ascertained in the context of this evaluation (PMID: 34837038). Two clinical diagnostic laboratories have submitted clinical-significance assessments for this variant to ClinVar after 2014 and classified the variant as uncertain significance. Based on the evidence outlined above, the variant was classified as uncertain significance.

Fulgent Genetics
Classification: Uncertain significance for Usher syndrome type 1; Autosomal recessive nonsyndromic hearing loss 2; Autosomal dominant nonsyndromic hearing loss 11. Last evaluated: 2021-08-01. Review status: criteria provided, single submitter. Criteria: ACMG Guidelines, 2015. Collection method: clinical testing. Allele origin: unknown.

Literature cited by the submitters: PubMed 34837038 (cited by Labcorp Genetics (formerly Invitae), Labcorp and Women's Health and Genetics/Laboratory Corporation of America, LabCorp).

NM_000260.4(MYO7A):c.5522C>T (p.Thr1841Met)

Gene: MYO7A (myosin VIIA; plus strand). Cytogenetic location: 11q13.5.
Variant type: single nucleotide variant.
Coding change: c.5522C>T on transcript NM_000260.4 (MANE Select); coding-DNA position 5522, C replaced by T.
Protein change: p.Thr1841Met; replaces threonine 1841 with methionine.
Molecular consequence: missense variant.
Genome position (GRCh38, 1-based): chr11:77,205,503, C>T. VCF-style: chr11-77205503-C-T. GRCh37 (hg19) VCF-style: chr11-76916548-C-T.
Other names: c.5408C>T, p.Thr1803Met (NM_001127180.2); c.5375C>T, p.Thr1792Met (NM_001369365.1); short protein forms T1792M, T1803M, T1841M.
Identifiers: ClinVar variation 1387794 (VCV001387794.7), dbSNP rs746667217, ClinGen allele CA6198734.